The following is an entry in ClinVar:

ClinVar aggregate classification (germline): Uncertain significance. Review status: criteria provided, multiple submitters, no conflicts (2 of 4 stars). 2 submissions from 2 submitters: Uncertain significance (2). Last evaluated 2024-02-22.

Conditions:
Cerebrooculofacioskeletal syndrome 4 (COFS4). Identifiers: MedGen C1853100, MONDO:0012554, OMIM 610758.

Allele frequency attached by ClinVar (database versions not stated): TOPMed 0.00001; gnomAD 0.00002; ExAC 0.00012; 1000 Genomes Project 30x 0.00016; 1000 Genomes Project 0.00020.
gnomAD v4.1: 133 of 1,612,178 alleles (0.0082%); highest among the groups gnomAD compares: South Asian, 0.094%; 1 homozygote.

Submissions (2):

Fulgent Genetics
Classification: Uncertain significance for Cerebrooculofacioskeletal syndrome 4. Last evaluated: 2024-02-22. Review status: criteria provided, single submitter. Criteria: ACMG Guidelines, 2015. Collection method: clinical testing. Allele origin: germline.

Labcorp Genetics (formerly Invitae), Labcorp
Classification: Uncertain significance. Last evaluated: 2022-04-04. Review status: criteria provided, single submitter. Criteria: Invitae Variant Classification Sherloc (09022015). Collection method: clinical testing. Allele origin: germline.
Comment: This sequence change replaces asparagine, which is neutral and polar, with serine, which is neutral and polar, at codon 110 of the ERCC1 protein (p.Asn110Ser). This variant is present in population databases (rs567625462, gnomAD 0.08%). This variant has not been reported in the literature in individuals affected with ERCC1-related conditions. Algorithms developed to predict the effect of missense changes on protein structure and function (SIFT, PolyPhen-2, Align-GVGD) all suggest that this variant is likely to be disruptive. In summary, the available evidence is currently insufficient to determine the role of this variant in disease. Therefore, it has been classified as a Variant of Uncertain Significance.

NM_001983.4(ERCC1):c.329A>G (p.Asn110Ser)

Gene: ERCC1 (ERCC excision repair 1, endonuclease non-catalytic subunit; minus strand). Cytogenetic location: 19q13.32.
Variant type: single nucleotide variant.
Coding change: c.329A>G on transcript NM_001983.4 (MANE Select); coding-DNA position 329, A replaced by G.
Protein change: p.Asn110Ser; replaces asparagine 110 with serine.
Molecular consequence: missense variant.
Genome position (GRCh38, 1-based): chr19:45,420,420, T>C on the plus strand (A>G on the coding strand, the complement: ERCC1 is on the minus strand). VCF-style: chr19-45420420-T-C. GRCh37 (hg19) VCF-style: chr19-45923678-T-C.
Other names: c.329A>G, p.Asn110Ser (NM_001166049.2, NM_001369408.1, NM_001369409.1 and 11 more transcripts); short protein forms N110S.
Identifiers: ClinVar variation 1989888 (VCV001989888.2), dbSNP rs567625462, ClinGen allele CA9515481.